The following is an entry in ClinVar:

ClinVar aggregate classification (germline): Uncertain significance (1 of 4 stars; one submission).

Conditions:
Arrhythmogenic right ventricular dysplasia 12. Also called: ARRHYTHMOGENIC RIGHT VENTRICULAR DYSPLASIA, FAMILIAL, 12. Identifiers: MedGen C1969081, MONDO:0012684, OMIM 611528.
Naxos disease (NXD). Also called: KERATOSIS PALMOPLANTARIS WITH ARRHYTHMOGENIC CARDIOMYOPATHY; MAL DE NAXOS; WOOLLY HAIR, PALMOPLANTAR KERATODERMA, AND CARDIAC ABNORMALITIES; PALMOPLANTAR KERATODERMA WITH ARRHYTHMOGENIC RIGHT VENTRICULAR CARDIOMYOPATHY AND WOOLLY HAIR; CARDIOMYOPATHY, ARRHYTHMOGENIC RIGHT VENTRICULAR, WITH SKIN, HAIR, AND NAIL ABNORMALITIES. Identifiers: Orphanet 34217, MedGen C1832600, MONDO:0011017, OMIM 601214.

Submission:

Labcorp Genetics (formerly Invitae), Labcorp
Classification: Uncertain significance for Arrhythmogenic right ventricular dysplasia 12; Naxos disease. Last evaluated: 2021-09-01. Review status: criteria provided, single submitter. Criteria: Invitae Variant Classification Sherloc (09022015). Collection method: clinical testing. Allele origin: germline.
Comment: This sequence change replaces glutamic acid with glutamine at codon 258 of the JUP protein (p.Glu258Gln). The glutamic acid residue is moderately conserved and there is a small physicochemical difference between glutamic acid and glutamine. This variant is not present in population databases (ExAC no frequency). This variant has not been reported in the literature in individuals affected with JUP-related conditions. Algorithms developed to predict the effect of missense changes on protein structure and function are either unavailable or do not agree on the potential impact of this missense change (SIFT: "Tolerated"; PolyPhen-2: "Possibly Damaging"; Align-GVGD: "Class C0"). In summary, the available evidence is currently insufficient to determine the role of this variant in disease. Therefore, it has been classified as a Variant of Uncertain Significance.

NM_002230.4(JUP):c.772G>C (p.Glu258Gln)

Gene: JUP (junction plakoglobin; minus strand). Cytogenetic location: 17q21.2.
Variant type: single nucleotide variant.
Coding change: c.772G>C on transcript NM_002230.4 (MANE Select); coding-DNA position 772, G replaced by C.
Protein change: p.Glu258Gln; replaces glutamic acid 258 with glutamine.
Molecular consequence: missense variant.
Genome position (GRCh38, 1-based): chr17:41,767,516, C>G on the plus strand (G>C on the coding strand, the complement: JUP is on the minus strand). VCF-style: chr17-41767516-C-G. GRCh37 (hg19) VCF-style: chr17-39923768-C-G.
Other names: c.772G>C, p.Glu258Gln (NM_001352773.2, NM_001352774.2, NM_001352775.2 and 3 more transcripts); short protein forms E258Q.
Identifiers: ClinVar variation 1026386 (VCV001026386.6), dbSNP rs1915920461, ClinGen allele CA399501353.